The following is an entry in ClinVar:

ClinVar aggregate classification (germline): Uncertain significance. Review status: criteria provided, multiple submitters, no conflicts (2 of 4 stars). 2 submissions from 2 submitters: Uncertain significance (2). Last evaluated 2025-04-01.

Submissions (2):

CeGaT Center for Human Genetics Tuebingen
Classification: Uncertain significance. Last evaluated: 2025-04-01. Review status: criteria provided, single submitter. Criteria: CeGaT Center For Human Genetics Tuebingen Variant Classification Criteria Version 2. Collection method: clinical testing. Allele origin: germline. Affected: yes. Observed: 1 variant allele.
Comment: TNXB: PM2, BP4

Mayo Clinic Laboratories, Mayo Clinic
Classification: Uncertain significance. Last evaluated: 2024-07-09. Review status: criteria provided, single submitter. Criteria: ACMG Guidelines, 2015. Collection method: clinical testing. Allele origin: germline. Observed: 1 variant allele.
Comment: BP4, PM2

NM_001365276.2(TNXB):c.12716C>T (p.Ser4239Phe)

Genes: CYP21A2 (cytochrome P450 family 21 subfamily A member 2; plus strand), TNXB (tenascin XB; minus strand). Cytogenetic location: 6p21.33.
Variant type: single nucleotide variant.
Coding change: c.12716C>T on transcript NM_001365276.2 (MANE Select); coding-DNA position 12716, C replaced by T.
Protein change: p.Ser4239Phe; replaces serine 4239 with phenylalanine.
Molecular consequence: missense variant. On other transcripts: 3 prime UTR variant (4).
Genome position (GRCh38, 1-based): chr6:32,041,368, G>A on the plus strand (C>T on the coding strand, the complement: TNXB is on the minus strand). VCF-style: chr6-32041368-G-A. GRCh37 (hg19) VCF-style: chr6-32009145-G-A.
Other names: p.Ser4237Phe; c.*234G>A (NM_000500.9, NM_001128590.4, NM_001368143.2 and 1 more transcripts); c.13457C>T, p.Ser4486Phe (NM_001428335.1); c.12710C>T, p.Ser4237Phe (NM_019105.8); c.2003C>T, p.Ser668Phe (NM_032470.4); short protein forms S4237F, S4239F, S4486F, S668F.
Identifiers: ClinVar variation 3379652 (VCV003379652.11).
Genomic context (GRCh38, chr6:32,041,368, plus strand): 5'-CTCGGCAGTCATACTGGGGTGCGAGAGAGGTGGGCAGCAGCTCAGCCTCCCCCCGCTGGG[G>A]AGCGAAAGTTTCTTGGTCTCAGCTTCATTTCCGTGAAGGGCACCGAGAACTCGAAGCCCT-3'
Protein context (NP_001352205.1, residues 4229-4244): EMKLRPRNFR[Ser4239Phe]PAGGG